The following is an entry in ClinVar:

ClinVar aggregate classification (germline): Likely benign. Review status: criteria provided, multiple submitters, no conflicts (2 of 4 stars). 3 submissions from 3 submitters: Likely benign (2). 1 of the submissions does not count toward it. Last evaluated 2026-05-01.

Conditions:
ADGRE2-related disorder. Also called: ADGRE2-related condition.

gnomAD v4.1: 52 of 1,613,900 alleles (0.0032%); highest among the groups gnomAD compares: East Asian, 0.042%; no homozygotes.

Submissions (3):

CeGaT Center for Human Genetics Tuebingen
Classification: Likely benign. Last evaluated: 2026-05-01. Review status: criteria provided, single submitter. Criteria: CeGaT Center For Human Genetics Tuebingen Variant Classification Criteria Version 2. Collection method: clinical testing. Allele origin: germline. Affected: yes. Observed: 1 variant allele.
Comment: ADGRE2: BP4, BP7

Labcorp Genetics (formerly Invitae), Labcorp
Classification: Likely benign. Last evaluated: 2025-10-14. Review status: criteria provided, single submitter. Criteria: Invitae Variant Classification Sherloc (09022015). Collection method: clinical testing. Allele origin: germline.

PreventionGenetics, part of Exact Sciences
Classification: Likely benign for ADGRE2-related condition. Last evaluated: 2019-04-02. Review status: no assertion criteria provided. Collection method: clinical testing. Allele origin: germline. Not counted in ClinVar's aggregate classification.
Comment: This variant is classified as likely benign based on ACMG/AMP sequence variant interpretation guidelines (Richards et al. 2015 PMID: 25741868, with internal and published modifications).

NM_013447.4(ADGRE2):c.1581C>T (p.Tyr527=)

Gene: ADGRE2 (adhesion G protein-coupled receptor E2; minus strand). Cytogenetic location: 19p13.12.
Variant type: single nucleotide variant.
Coding change: c.1581C>T on transcript NM_013447.4 (MANE Select); coding-DNA position 1581, C replaced by T.
Protein change: p.Tyr527=; no amino-acid change (tyrosine 527 retained).
Molecular consequence: synonymous variant. On other transcripts: intron variant (1).
Genome position (GRCh38, 1-based): chr19:14,754,963, G>A on the plus strand (C>T on the coding strand, the complement: ADGRE2 is on the minus strand). VCF-style: chr19-14754963-G-A. GRCh37 (hg19) VCF-style: chr19-14865775-G-A.
Other names: c.1581C>T (NM_013447.3); c.1434C>T, p.Tyr478= (NM_152916.2); c.1302C>T, p.Tyr434= (NM_152917.2); c.1416+691C>T (NM_001271052.1).
Identifiers: ClinVar variation 2171700 (VCV002171700.7), dbSNP rs754549569, ClinGen allele CA9257677.